The following is an entry in ClinVar:

ClinVar aggregate classification (germline): Pathogenic (1 of 4 stars; one submission).

Conditions:
Mendelian susceptibility to mycobacterial diseases due to complete IL12RB1 deficiency. Also called: IL12RB1 DEFICIENCY; Immunodeficiency 30. Identifiers: Orphanet 319552, MedGen C4013949, MONDO:0013955, OMIM 614891.

Submission:

Labcorp Genetics (formerly Invitae), Labcorp
Classification: Pathogenic for Mendelian susceptibility to mycobacterial diseases due to complete IL12RB1 deficiency. Last evaluated: 2025-01-20. Review status: criteria provided, single submitter. Criteria: Invitae Variant Classification Sherloc (09022015). Collection method: clinical testing. Allele origin: germline.
Comment: This sequence change creates a premature translational stop signal (p.Trp332*) in the IL12RB1 gene. It is expected to result in an absent or disrupted protein product. Loss-of-function variants in IL12RB1 are known to be pathogenic (PMID: 9603733, 12591909). This variant is not present in population databases (gnomAD no frequency). This variant has not been reported in the literature in individuals affected with IL12RB1-related conditions. For these reasons, this variant has been classified as Pathogenic.

Literature cited by the submitters: PubMed 9603733; PubMed 12591909.

NM_005535.3(IL12RB1):c.996G>A (p.Trp332Ter)

Gene: IL12RB1 (interleukin 12 receptor subunit beta 1; minus strand). Cytogenetic location: 19p13.11.
Variant type: single nucleotide variant.
Coding change: c.996G>A on transcript NM_005535.3 (MANE Select); coding-DNA position 996, G replaced by A.
Protein change: p.Trp332Ter; replaces tryptophan 332 with a stop codon.
Molecular consequence: nonsense.
Genome position (GRCh38, 1-based): chr19:18,072,137, C>T on the plus strand (G>A on the coding strand, the complement: IL12RB1 is on the minus strand). VCF-style: chr19-18072137-C-T. GRCh37 (hg19) VCF-style: chr19-18182947-C-T.
Other names: c.996G>A, p.Trp332Ter (NM_001290023.2, NM_153701.3); c.1116G>A, p.Trp372Ter (NM_001290024.2); short protein forms W372*, W332*.
Identifiers: ClinVar variation 3727353 (VCV003727353.2).